The following is an entry in ClinVar:

NM_022124.6(CDH23):c.9756G>A (p.Leu3252=)

Gene: CDH23 (cadherin related 23; plus strand). Cytogenetic location: 10q22.1.
Variant type: single nucleotide variant.
Coding change: c.9756G>A on transcript NM_022124.6 (MANE Select); coding-DNA position 9756, G replaced by A.
Protein change: p.Leu3252=; no amino-acid change (leucine 3252 retained).
Molecular consequence: synonymous variant.
Genome position (GRCh38, 1-based): chr10:71,814,969, G>A. VCF-style: chr10-71814969-G-A. GRCh37 (hg19) VCF-style: chr10-73574726-G-A.
Other names: c.3036G>A, p.Leu1012= (NM_001171933.1); c.2931G>A, p.Leu977= (NM_001171934.1); c.447G>A, p.Leu149= (NM_001171935.1); c.342G>A, p.Leu114= (NM_001171936.1); c.9756G>A (NM_022124.5).
Identifiers: ClinVar variation 1594588 (VCV001594588.10), dbSNP rs1372344608, ClinGen allele CA470283078.

ClinVar aggregate classification (germline): Likely benign. Review status: criteria provided, multiple submitters, no conflicts (2 of 4 stars). 3 submissions from 3 submitters: Likely benign (3). Last evaluated 2025-09-02.

Conditions:
CDH23-related disorder. Also called: CDH23-related disorders; CDH23-related condition.

Allele frequency attached by ClinVar (database versions not stated): gnomAD exomes below 0.00001; TOPMed 0.00001.
gnomAD v4.1: 23 of 1,611,918 alleles (0.0014%); highest among the groups gnomAD compares: Non-Finnish European, 0.002%; no homozygotes.

Submissions (3):

PreventionGenetics, part of Exact Sciences
Classification: Likely benign for CDH23-related condition. Last evaluated: 2025-09-02. Review status: criteria provided, single submitter. Criteria: ACMG Guidelines, 2015. Collection method: clinical testing. Allele origin: germline.
Comment: This variant is classified as likely benign based on ACMG/AMP sequence variant interpretation guidelines (Richards et al. 2015 PMID: 25741868, with internal and published modifications).

Labcorp Genetics (formerly Invitae), Labcorp
Classification: Likely benign. Last evaluated: 2025-03-17. Review status: criteria provided, single submitter. Criteria: Invitae Variant Classification Sherloc (09022015). Collection method: clinical testing. Allele origin: germline.

Blueprint Genetics
Classification: Likely benign. Last evaluated: 2022-08-23. Review status: criteria provided, single submitter. Criteria: ACMG Guidelines, 2015. Collection method: clinical testing. Allele origin: germline.